The following is an entry in ClinVar:

NM_001267550.2(TTN):c.91603G>A (p.Gly30535Ser)

Genes: TTN-AS1 (TTN antisense RNA 1; plus strand), TTN (titin; minus strand). Cytogenetic location: 2q31.2.
Variant type: single nucleotide variant.
Coding change: c.91603G>A on transcript NM_001267550.2 (MANE Select); coding-DNA position 91603, G replaced by A.
Protein change: p.Gly30535Ser; replaces glycine 30535 with serine.
Molecular consequence: missense variant.
Genome position (GRCh38, 1-based): chr2:178,550,235, C>T on the plus strand (G>A on the coding strand, the complement: TTN is on the minus strand). VCF-style: chr2-178550235-C-T. GRCh37 (hg19) VCF-style: chr2-179414962-C-T.
Other names: c.86680G>A, p.Gly28894Ser (NM_001256850.1); c.64408G>A, p.Gly21470Ser (NM_003319.4); c.83899G>A, p.Gly27967Ser (NM_133378.4); c.64783G>A, p.Gly21595Ser (NM_133432.3); c.64984G>A, p.Gly21662Ser (NM_133437.4); short protein forms G21662S, G21470S, G27967S, G28894S, G30535S, G21595S.
Identifiers: ClinVar variation 1753555 (VCV001753555.2), dbSNP rs1698806497, ClinGen allele CA349499704.

ClinVar aggregate classification (germline): Uncertain significance (1 of 4 stars; one submission).

Conditions:
Cardiovascular phenotype. Identifiers: MedGen CN230736.

Allele frequency attached by ClinVar (database versions not stated): gnomAD exomes below 0.00001.

Submission:

Ambry Genetics
Classification: Uncertain significance for Cardiovascular phenotype. Last evaluated: 2020-05-18. Review status: criteria provided, single submitter. Criteria: Ambry Variant Classification Scheme 2023. Collection method: clinical testing. Allele origin: germline.
Comment: The p.G21470S variant (also known as c.64408G>A), located in coding exon 164 of the TTN gene, results from a G to A substitution at nucleotide position 64408. The glycine at codon 21470 is replaced by serine, an amino acid with similar properties. This amino acid position is well conserved in available vertebrate species. In addition, this alteration is predicted to be tolerated by in silico analysis. Since supporting evidence is limited at this time, the clinical significance of this alteration remains unclear.